The following is an entry in ClinVar:

ClinVar aggregate classification (germline): Uncertain significance. Review status: criteria provided, multiple submitters, no conflicts (2 of 4 stars). 2 submissions from 2 submitters: Uncertain significance (2). Last evaluated 2025-03-15.

Allele frequency attached by ClinVar (database versions not stated): gnomAD exomes below 0.00001.
gnomAD v4.1: 1 of 1,612,656 alleles (0.000062%); highest among the groups gnomAD compares: Non-Finnish European, 0.000085%; no homozygotes.

Submissions (2):

Ambry Genetics
Classification: Uncertain significance. Last evaluated: 2025-03-15. Review status: criteria provided, single submitter. Criteria: Ambry Variant Classification Scheme 2023. Collection method: clinical testing. Allele origin: germline.
Comment: The p.S209L variant (also known as c.626C>T), located in coding exon 6 of the SRP72 gene, results from a C to T substitution at nucleotide position 626. The serine at codon 209 is replaced by leucine, an amino acid with dissimilar properties. This amino acid position is conserved. In addition, the in silico prediction for this alteration is inconclusive. Based on the available evidence, the clinical significance of this variant remains unclear.

Labcorp Genetics (formerly Invitae), Labcorp
Classification: Uncertain significance. Last evaluated: 2020-10-09. Review status: criteria provided, single submitter. Criteria: Invitae Variant Classification Sherloc (09022015). Collection method: clinical testing. Allele origin: germline.
Comment: In summary, the available evidence is currently insufficient to determine the role of this variant in disease. Therefore, it has been classified as a Variant of Uncertain Significance. Algorithms developed to predict the effect of missense changes on protein structure and function are either unavailable or do not agree on the potential impact of this missense change (SIFT: "Deleterious"; PolyPhen-2: "Benign"; Align-GVGD: "Class C0"). This variant has not been reported in the literature in individuals with SRP72-related conditions. This variant is not present in population databases (ExAC no frequency). This sequence change replaces serine with leucine at codon 209 of the SRP72 protein (p.Ser209Leu). The serine residue is moderately conserved and there is a large physicochemical difference between serine and leucine.

NM_006947.4(SRP72):c.626C>T (p.Ser209Leu)

Gene: SRP72 (signal recognition particle 72; plus strand). Cytogenetic location: 4q12.
Variant type: single nucleotide variant.
Coding change: c.626C>T on transcript NM_006947.4 (MANE Select); coding-DNA position 626, C replaced by T.
Protein change: p.Ser209Leu; replaces serine 209 with leucine.
Molecular consequence: missense variant. On other transcripts: non-coding transcript variant (1).
Genome position (GRCh38, 1-based): chr4:56,476,686, C>T. VCF-style: chr4-56476686-C-T. GRCh37 (hg19) VCF-style: chr4-57342852-C-T.
Other names: c.626C>T (NM_006947.3); c.626C>T, p.Ser209Leu (NM_001267722.2); short protein forms S209L.
Identifiers: ClinVar variation 1000216 (VCV001000216.9), dbSNP rs1720235593, ClinGen allele CA356997694.